The following is an entry in ClinVar:

NM_000051.4(ATM):c.2466+6T>C

Gene: ATM (ATM serine/threonine kinase; plus strand). Cytogenetic location: 11q22.3.
Variant type: single nucleotide variant.
Coding change: c.2466+6T>C on transcript NM_000051.4 (MANE Select); 6 bases into the intron after coding-DNA position 2466, T replaced by C.
Molecular consequence: intron variant.
Genome position (GRCh38, 1-based): chr11:108,259,081, T>C. VCF-style: chr11-108259081-T-C. GRCh37 (hg19) VCF-style: chr11-108129808-T-C.
Other names: c.2466+6T>C (NM_001351834.2).
Identifiers: ClinVar variation 1409828 (VCV001409828.6), dbSNP rs2135422532, ClinGen allele CA2573146519.

ClinVar aggregate classification (germline): Uncertain significance (1 of 4 stars; one submission).

Conditions:
Ataxia-telangiectasia syndrome (AT). Also called: LOUIS-BAR SYNDROME; Cerebello-oculocutaneous telangiectasia; Immunodeficiency with ataxia telangiectasia; ATAXIA-TELANGIECTASIA, COMPLEMENTATION GROUP A; ATAXIA-TELANGIECTASIA, FRESNO VARIANT; Ataxia-telangiectasia, complementation group D. Identifiers: Orphanet 100, MedGen C0004135, MONDO:0008840, OMIM 208900.

Submission:

Labcorp Genetics (formerly Invitae), Labcorp
Classification: Uncertain significance for Ataxia-telangiectasia syndrome. Last evaluated: 2021-10-21. Review status: criteria provided, single submitter. Criteria: Invitae Variant Classification Sherloc (09022015). Collection method: clinical testing. Allele origin: germline.
Comment: This sequence change falls in intron 16 of the ATM gene. It does not directly change the encoded amino acid sequence of the ATM protein. It affects a nucleotide within the consensus splice site. This variant is not present in population databases (ExAC no frequency). This variant has not been reported in the literature in individuals affected with ATM-related conditions. Variants that disrupt the consensus splice site are a relatively common cause of aberrant splicing (PMID: 17576681, 9536098). Studies have shown that this variant is associated with altered splicing, but the impact on the resulting protein product is unknown (Invitae). In summary, the available evidence is currently insufficient to determine the role of this variant in disease. Therefore, it has been classified as a Variant of Uncertain Significance.

Literature cited by the submitters: PubMed 17576681; PubMed 9536098.